The following is an entry in ClinVar:

ClinVar aggregate classification (germline): Likely benign (1 of 4 stars; one submission).

Allele frequency attached by ClinVar (database versions not stated): TOPMed 0.00475; 1000 Genomes Project 0.00499; gnomAD 0.00547 and 0.00582.
gnomAD v4.1: 624 of 115,216 alleles (0.54%); highest among the groups gnomAD compares: African/African-American, 1.6%; 7 homozygotes.

Submission:

GeneDx
Classification: Likely benign. Last evaluated: 2018-06-14. Review status: criteria provided, single submitter. Criteria: GeneDx Variant Classification (06012015). Collection method: clinical testing. Allele origin: germline. Affected: yes.
Comment: This variant is considered likely benign or benign based on one or more of the following criteria: it is a conservative change, it occurs at a poorly conserved position in the protein, it is predicted to be benign by multiple in silico algorithms, and/or has population frequency not consistent with disease.

NM_022489.4(INF2):c.2239+165C>T

Gene: INF2 (inverted formin 2; plus strand). Cytogenetic location: 14q32.33.
Variant type: single nucleotide variant.
Coding change: c.2239+165C>T on transcript NM_022489.4 (MANE Select); 165 bases into the intron after coding-DNA position 2239, C replaced by T.
Molecular consequence: intron variant.
Genome position (GRCh38, 1-based): chr14:104,710,353, C>T. VCF-style: chr14-104710353-C-T. GRCh37 (hg19) VCF-style: chr14-105176690-C-T.
Other names: c.2239+165C>T (NM_001031714.4).
Identifiers: ClinVar variation 679032 (VCV000679032.1), dbSNP rs562266294, ClinGen allele CA267326056.